The following is an entry in ClinVar:

NM_000836.4(GRIN2D):c.3577C>G (p.Arg1193Gly)

Gene: GRIN2D (glutamate ionotropic receptor NMDA type subunit 2D; plus strand). Cytogenetic location: 19q13.33.
Variant type: single nucleotide variant.
Coding change: c.3577C>G on transcript NM_000836.4 (MANE Select); coding-DNA position 3577, C replaced by G.
Protein change: p.Arg1193Gly; replaces arginine 1193 with glycine.
Molecular consequence: missense variant.
Genome position (GRCh38, 1-based): chr19:48,443,503, C>G. VCF-style: chr19-48443503-C-G. GRCh37 (hg19) VCF-style: chr19-48946760-C-G.
Other names: short protein forms R1193G.
Identifiers: ClinVar variation 1801055 (VCV001801055.1), dbSNP rs2513693578, ClinGen allele CA406676930.

ClinVar aggregate classification (germline): Uncertain significance (1 of 4 stars; one submission).

Submission:

GeneDx
Classification: Uncertain significance. Last evaluated: 2022-05-25. Review status: criteria provided, single submitter. Criteria: GeneDx Variant Classification Process June 2021. Collection method: clinical testing. Allele origin: germline. Affected: yes.
Comment: Not observed at significant frequency in large population cohorts (gnomAD); In silico analysis supports that this missense variant does not alter protein structure/function; Has not been previously published as pathogenic or benign to our knowledge